The following is an entry in ClinVar:

NM_201384.3(PLEC):c.9853A>G (p.Ile3285Val)

Gene: PLEC (plectin; minus strand). Cytogenetic location: 8q24.3.
Variant type: single nucleotide variant.
Coding change: c.9853A>G on transcript NM_201384.3 (MANE Select); coding-DNA position 9853, A replaced by G.
Protein change: p.Ile3285Val; replaces isoleucine 3285 with valine.
Molecular consequence: missense variant.
Genome position (GRCh38, 1-based): chr8:143,919,968, T>C on the plus strand (A>G on the coding strand, the complement: PLEC is on the minus strand). VCF-style: chr8-143919968-T-C. GRCh37 (hg19) VCF-style: chr8-144994136-T-C.
Other names: c.9934A>G, p.Ile3312Val (NM_000445.5); c.9811A>G, p.Ile3271Val (NM_201378.4); c.9787A>G, p.Ile3263Val (NM_201379.3); c.10264A>G, p.Ile3422Val (NM_201380.4); c.9757A>G, p.Ile3253Val (NM_201381.3); c.9853A>G, p.Ile3285Val (NM_201382.4); c.9865A>G, p.Ile3289Val (NM_201383.3); short protein forms I3253V, I3285V, I3289V, I3422V, I3263V, I3271V, I3312V.
Identifiers: ClinVar variation 943715 (VCV000943715.10), dbSNP rs1333335060, ClinGen allele CA372506250.
Genomic context (GRCh38, chr8:143,919,968, plus strand): 5'-AGGACAGCCTCTCCTGCCGCAGGGTCTCCACCTCCTCCACGATGGTAATGAGAATCTTGA[T>C]GACCTTCTCCACGGTGACCTTGCCCGTGCGGAACTGACGCAACAGCTCCTGCCGCTGCTC-3'
Protein context (NP_958786.1, residues 3275-3295): RTGKVTVEKV[Ile3285Val]KILITIVEEV

ClinVar aggregate classification (germline): Uncertain significance (1 of 4 stars; one submission).

Conditions:
Epidermolysis bullosa simplex 5B, with muscular dystrophy (EBS5B). Also called: EPIDERMOLYSIS BULLOSA SIMPLEX AND LIMB-GIRDLE MUSCULAR DYSTROPHY; Epidermolysis bullosa simplex with muscular dystrophy. Identifiers: Orphanet 257, MedGen C2931072, MONDO:0009181, OMIM 226670.
Epidermolysis bullosa simplex with nail dystrophy (EBS5D). Identifiers: MedGen C4225309, MONDO:0014661, OMIM 616487.
Epidermolysis bullosa simplex, Ogna type (EBS5A). Also called: EPIDERMOLYSIS BULLOSA SIMPLEX 5A, OGNA TYPE; Pidermolysis bullosa simplex 5A, Ogna type. Identifiers: Orphanet 79401, MedGen C0432317, MONDO:0007555, OMIM 131950.
Autosomal recessive limb-girdle muscular dystrophy type 2Q (LGMDR17). Also called: MUSCULAR DYSTROPHY, LIMB-GIRDLE, AUTOSOMAL RECESSIVE 17. Identifiers: Orphanet 254361, MedGen C3150989, MONDO:0013390, OMIM 613723.
Epidermolysis bullosa simplex 5C, with pyloric atresia (EBS5C). Also called: Epidermolysis bullosa simplex with pyloric atresia; PLEC-Related Epidermolysis Bullosa with Pyloric Atresia; PLEC1-Related Epidermolysis Bullosa with Pyloric Atresia. Identifiers: Orphanet 158684, MedGen C2677349, MONDO:0012807, OMIM 612138.

Allele frequency attached by ClinVar (database versions not stated): gnomAD exomes below 0.00001; TOPMed below 0.00001.
gnomAD v4.1: 3 of 1,613,350 alleles (0.00019%); highest among the groups gnomAD compares: East Asian, 0.0045%; no homozygotes.

Submission:

Labcorp Genetics (formerly Invitae), Labcorp
Classification: Uncertain significance for Autosomal recessive limb-girdle muscular dystrophy type 2Q; Epidermolysis bullosa simplex, Ogna type; Epidermolysis bullosa simplex with nail dystrophy; Epidermolysis bullosa simplex 5C, with pyloric atresia; Epidermolysis bullosa simplex 5B, with muscular dystrophy. Last evaluated: 2022-07-05. Review status: criteria provided, single submitter. Criteria: Invitae Variant Classification Sherloc (09022015). Collection method: clinical testing. Allele origin: germline.
Comment: This sequence change replaces isoleucine, which is neutral and non-polar, with valine, which is neutral and non-polar, at codon 3312 of the PLEC protein (p.Ile3312Val). In summary, the available evidence is currently insufficient to determine the role of this variant in disease. Therefore, it has been classified as a Variant of Uncertain Significance. Algorithms developed to predict the effect of missense changes on protein structure and function (SIFT, PolyPhen-2, Align-GVGD) all suggest that this variant is likely to be disruptive. ClinVar contains an entry for this variant (Variation ID: 943715). This variant has not been reported in the literature in individuals affected with PLEC-related conditions. This variant is not present in population databases (gnomAD no frequency).